The following is an entry in ClinVar:

ClinVar aggregate classification (germline): Conflicting classifications of pathogenicity. Review status: criteria provided, conflicting classifications (1 of 4 stars). 2 submissions from 2 submitters: Likely pathogenic (1); Uncertain significance (1). Last evaluated 2026-09-29.

Conditions:
Cardiovascular phenotype. Identifiers: MedGen CN230736.

Allele frequency attached by ClinVar (database versions not stated): TOPMed below 0.00001; gnomAD 0.00001; gnomAD exomes 0.00001.
gnomAD v4.1: 8 of 1,602,394 alleles (0.0005%); highest among the groups gnomAD compares: Non-Finnish European, 0.00068%; no homozygotes.

Submissions (2):

GeneDx
Classification: Likely pathogenic. Last evaluated: 2026-09-29. Review status: criteria provided, single submitter. Criteria: GeneDx Variant Classification Process June 2021. Collection method: clinical testing. Allele origin: germline.
Comment: In silico analysis supports that this missense variant has a deleterious effect on protein structure/function; Not observed at significant frequency in large population cohorts (gnomAD); Has not been previously published as pathogenic or benign to our knowledge

Ambry Genetics
Classification: Uncertain significance for Cardiovascular phenotype. Last evaluated: 2026-04-29. Review status: criteria provided, single submitter. Criteria: Ambry Variant Classification Scheme 2023. Collection method: clinical testing. Allele origin: germline.
Comment: The p.V29E variant (also known as c.86T>A), located in coding exon 1 of the PRDM5 gene, results from a T to A substitution at nucleotide position 86. The valine at codon 29 is replaced by glutamic acid, an amino acid with dissimilar properties. This amino acid position is highly conserved in available vertebrate species. In addition, the in silico prediction for this alteration is inconclusive. Based on the available evidence, the clinical significance of this variant remains unclear.

NM_018699.4(PRDM5):c.86T>A (p.Val29Glu)

Gene: PRDM5 (PR/SET domain 5; minus strand). Cytogenetic location: 4q27.
Variant type: single nucleotide variant.
Coding change: c.86T>A on transcript NM_018699.4 (MANE Select); coding-DNA position 86, T replaced by A.
Protein change: p.Val29Glu; replaces valine 29 with glutamic acid.
Molecular consequence: missense variant.
Genome position (GRCh38, 1-based): chr4:120,922,523, A>T on the plus strand (T>A on the coding strand, the complement: PRDM5 is on the minus strand). VCF-style: chr4-120922523-A-T. GRCh37 (hg19) VCF-style: chr4-121843678-A-T.
Other names: c.86T>A, p.Val29Glu (NM_001300823.2, NM_001300824.2, NM_001379104.1 and 1 more transcripts); short protein forms V29E.
Identifiers: ClinVar variation 1316146 (VCV001316146.4), dbSNP rs1281285547, ClinGen allele CA358209827.